The following is an entry in ClinVar:

ClinVar aggregate classification (germline): Uncertain significance. Review status: criteria provided, multiple submitters, no conflicts (2 of 4 stars). 3 submissions from 3 submitters: Uncertain significance (3). Last evaluated 2024-11-05.

Conditions:
Inborn genetic diseases. Identifiers: MedGen C0950123, MeSH D030342.

Allele frequency attached by ClinVar (database versions not stated): gnomAD exomes below 0.00001; ExAC 0.00001; TOPMed 0.00057.
gnomAD v4.1: 30 of 1,613,842 alleles (0.0019%); highest among the groups gnomAD compares: Middle Eastern, 0.016%; no homozygotes.

Submissions (3):

Labcorp Genetics (formerly Invitae), Labcorp
Classification: Uncertain significance. Last evaluated: 2024-11-05. Review status: criteria provided, single submitter. Criteria: Invitae Variant Classification Sherloc (09022015). Collection method: clinical testing. Allele origin: germline.
Comment: This sequence change replaces aspartic acid, which is acidic and polar, with glutamic acid, which is acidic and polar, at codon 356 of the LRIT3 protein (p.Asp356Glu). This variant is present in population databases (rs145673663, gnomAD 0.003%). This variant has not been reported in the literature in individuals affected with LRIT3-related conditions. ClinVar contains an entry for this variant (Variation ID: 970476). An algorithm developed to predict the effect of missense changes on protein structure and function outputs the following: PolyPhen-2: "Benign". The glutamic acid amino acid residue is found in multiple mammalian species, which suggests that this missense change does not adversely affect protein function. In summary, the available evidence is currently insufficient to determine the role of this variant in disease. Therefore, it has been classified as a Variant of Uncertain Significance.

Blueprint Genetics
Classification: Uncertain significance. Last evaluated: 2024-07-30. Review status: criteria provided, single submitter. Criteria: ACMG Guidelines, 2015. Collection method: clinical testing. Allele origin: germline.

Ambry Genetics
Classification: Uncertain significance for Inborn genetic diseases. Last evaluated: 2024-05-01. Review status: criteria provided, single submitter. Criteria: Ambry Variant Classification Scheme 2023. Collection method: clinical testing. Allele origin: germline.

NM_198506.5(LRIT3):c.1068C>G (p.Asp356Glu)

Gene: LRIT3 (leucine rich repeat, Ig-like and transmembrane domains 3; plus strand). Cytogenetic location: 4q25.
Variant type: single nucleotide variant.
Coding change: c.1068C>G on transcript NM_198506.5 (MANE Select); coding-DNA position 1068, C replaced by G.
Protein change: p.Asp356Glu; replaces aspartic acid 356 with glutamic acid.
Molecular consequence: missense variant.
Genome position (GRCh38, 1-based): chr4:109,869,817, C>G. VCF-style: chr4-109869817-C-G. GRCh37 (hg19) VCF-style: chr4-110790973-C-G.
Other names: c.933C>G (NM_198506.2); short protein forms D356E.
Identifiers: ClinVar variation 970476 (VCV000970476.8), dbSNP rs145673663, ClinGen allele CA3043126.